The following is an entry in ClinVar:

NC_000002.11:g.(?_29416090)_(29551357_?)del

Gene: ALK (ALK receptor tyrosine kinase; minus strand). Cytogenetic location: 2p23.2.
Variant type: Deletion.
Identifiers: ClinVar variation 2425059 (VCV002425059.4).

ClinVar aggregate classification (germline): Uncertain significance (1 of 4 stars; one submission).

Conditions:
Neuroblastoma, susceptibility to, 3. Also called: ALK-Related Neuroblastic Tumor Susceptibility. Identifiers: Orphanet 635, MedGen C2751681, MONDO:0013083, OMIM 613014.

Submission:

Labcorp Genetics (formerly Invitae), Labcorp
Classification: Uncertain significance for Neuroblastoma, susceptibility to, 3. Last evaluated: 2022-04-24. Review status: criteria provided, single submitter. Criteria: Invitae Variant Classification Sherloc (09022015). Collection method: clinical testing. Allele origin: germline.
Comment: In summary, the available evidence is currently insufficient to determine the role of this variant in disease. Therefore, it has been classified as a Variant of Uncertain Significance. Experimental studies and prediction algorithms are not available or were not evaluated, and the functional significance of this variant is currently unknown. This variant has not been reported in the literature in individuals affected with ALK-related conditions. This variant is a gross deletion of the genomic region encompassing exon(s) 6-29 of the ALK gene, which includes the termination codon. This deletion extends beyond the assayed region for this gene and therefore may encompass additional genes. While this deletion is not anticipated to lead to nonsense mediated decay, it is expected to alter mRNA translation or result in a truncated protein product.